The following is an entry in ClinVar:

ClinVar aggregate classification (germline): Uncertain significance (1 of 4 stars; one submission).

Conditions:
Intellectual disability, autosomal dominant 11. Identifiers: MedGen C3280285, MONDO:0013658, OMIM 614257.

Submission:

Dasa
Classification: Uncertain significance for Intellectual disability, autosomal dominant 11. Last evaluated: 2025-07-01. Review status: criteria provided, single submitter. Criteria: DASA Assertion Criteria. Collection method: clinical testing. Allele origin: germline.
Comment: NM_012156.2(EPB41L1):c.382G>A (p.Glu128Lys) is a missense variant that results in the substitution of glutamic acid with lysine. This variant is absent from population databases. The currently available literature and clinical evidence are not sufficient to establish a definitive association between this variant and the reported condition. Therefore, this variant is classified as a variant of uncertain significance.

NM_012156.2(EPB41L1):c.382G>A (p.Glu128Lys)

Gene: EPB41L1 (erythrocyte membrane protein band 4.1 like 1; plus strand). Cytogenetic location: 20q11.23.
Variant type: single nucleotide variant.
Coding change: c.382G>A on transcript NM_012156.2 (MANE Select); coding-DNA position 382, G replaced by A.
Protein change: p.Glu128Lys; replaces glutamic acid 128 with lysine.
Molecular consequence: missense variant.
Genome position (GRCh38, 1-based): chr20:36,177,991, G>A. VCF-style: chr20-36177991-G-A. GRCh37 (hg19) VCF-style: chr20-34765913-G-A.
Other names: c.289G>A, p.Glu97Lys (NM_001258330.1); c.196G>A, p.Glu66Lys (NM_001258331.2, NM_001424373.1, NM_001424374.1 and 19 more transcripts); c.382G>A, p.Glu128Lys (NM_001424395.1, NM_001424396.1, NM_001424397.1 and 14 more transcripts); short protein forms E128K, E66K, E97K.
Identifiers: ClinVar variation 4883719 (VCV004883719.2).
Genomic context (GRCh38, chr20:36,177,991, plus strand): 5'-CTGCTCTGCTTCCCTCCTTAGAAACATGGCCGGGGCCAGGTGCTGTTTGACCTGGTCTGT[G>A]AACACCTCAACCTCCTAGAGAAGGACTACTTCGGCCTGACCTTCTGTGATGCTGACAGCC-3'
Protein context (NP_036288.2, residues 118-138): RGQVLFDLVC[Glu128Lys]HLNLLEKDYF